The following is an entry in ClinVar:

NM_006648.4(WNK2):c.6173C>T (p.Pro2058Leu)

Gene: WNK2 (WNK lysine deficient protein kinase 2; plus strand). Cytogenetic location: 9q22.31.
Variant type: single nucleotide variant.
Coding change: c.6173C>T on transcript NM_006648.4 (MANE Select); coding-DNA position 6173, C replaced by T.
Protein change: p.Pro2058Leu; replaces proline 2058 with leucine.
Molecular consequence: missense variant.
Genome position (GRCh38, 1-based): chr9:93,300,108, C>T. VCF-style: chr9-93300108-C-T. GRCh37 (hg19) VCF-style: chr9-96062390-C-T.
Other names: c.6284C>T, p.Pro2095Leu (NM_001282394.3); short protein forms P2058L, P2095L.
Identifiers: ClinVar variation 3816422 (VCV003816422.1).
Genomic context (GRCh38, chr9:93,300,108, plus strand): 5'-CAGGCTGGACGGTTTACCACCCAACGTCTGAGAGAGTGACCTATAAGTCTAGTAGCAAAC[C>T]TCGTGCTCGATTCCTCAGTGGACCCGTATCTGTGTCCATCTGTCTGTATTTGTTCTTTTG-3'
Protein context (NP_006639.3, residues 2048-2068): ERVTYKSSSK[Pro2058Leu]RARFLSGPVS

ClinVar aggregate classification (germline): Uncertain significance (1 of 4 stars; one submission).

gnomAD v4.1: 1 of 1,613,534 alleles (0.000062%); highest among the groups gnomAD compares: Non-Finnish European, 0.000085%; no homozygotes.

Submission:

Ambry Genetics
Classification: Uncertain significance. Last evaluated: 2024-12-12. Review status: criteria provided, single submitter. Criteria: Ambry Variant Classification Scheme 2023. Collection method: clinical testing. Allele origin: germline.
Comment: The p.P2058L variant (also known as c.6173C>T), located in coding exon 25 of the WNK2 gene, results from a C to T substitution at nucleotide position 6173. The proline at codon 2058 is replaced by leucine, an amino acid with similar properties. This amino acid position is conserved. In addition, this alteration is predicted to be deleterious by in silico analysis. Based on the available evidence, the clinical significance of this variant remains unclear.